The following is an entry in ClinVar:

ClinVar aggregate classification (germline): Uncertain significance (1 of 4 stars; one submission).

Conditions:
Dilated cardiomyopathy 1O (CMD1O). Also called: CARDIOMYOPATHY, DILATED, WITH VENTRICULAR TACHYCARDIA. Identifiers: Orphanet 154, MedGen C1837839, MONDO:0012062, OMIM 608569.

Submission:

Labcorp Genetics (formerly Invitae), Labcorp
Classification: Uncertain significance for Dilated cardiomyopathy 1O. Last evaluated: 2022-12-15. Review status: criteria provided, single submitter. Criteria: Invitae Variant Classification Sherloc (09022015). Collection method: clinical testing. Allele origin: germline.
Comment: In summary, the available evidence is currently insufficient to determine the role of this variant in disease. Therefore, it has been classified as a Variant of Uncertain Significance. Algorithms developed to predict the effect of sequence changes on RNA splicing suggest that this variant may disrupt the consensus splice site. Algorithms developed to predict the effect of missense changes on protein structure and function (SIFT, PolyPhen-2, Align-GVGD) all suggest that this variant is likely to be tolerated. This variant has not been reported in the literature in individuals affected with ABCC9-related conditions. This variant is not present in population databases (gnomAD no frequency). This sequence change replaces alanine, which is neutral and non-polar, with serine, which is neutral and polar, at codon 389 of the ABCC9 protein (p.Ala389Ser).

NM_020297.4(ABCC9):c.1165G>T (p.Ala389Ser)

Gene: ABCC9 (ATP binding cassette subfamily C member 9; minus strand). Cytogenetic location: 12p12.1.
Variant type: single nucleotide variant.
Coding change: c.1165G>T on transcript NM_020297.4 (MANE Select); coding-DNA position 1165, G replaced by T.
Protein change: p.Ala389Ser; replaces alanine 389 with serine.
Molecular consequence: missense variant.
Genome position (GRCh38, 1-based): chr12:21,910,312, C>A on the plus strand (G>T on the coding strand, the complement: ABCC9 is on the minus strand). VCF-style: chr12-21910312-C-A. GRCh37 (hg19) VCF-style: chr12-22063246-C-A.
Other names: c.1165G>T, p.Ala389Ser (NM_001377273.1, NM_005691.4); c.301G>T, p.Ala101Ser (NM_001377274.1); short protein forms A389S, A101S.
Identifiers: ClinVar variation 2821131 (VCV002821131.3), dbSNP rs2137869639, ClinGen allele CA384119095.